The following is an entry in ClinVar:

NM_000426.4(LAMA2):c.4913delinsAATAAAGAGAGACAGCA (p.Gly1638delinsGluTer)

Gene: LAMA2 (laminin subunit alpha 2; plus strand). Cytogenetic location: 6q22.33.
Variant type: Indel.
Coding change: c.4913delinsAATAAAGAGAGACAGCA on transcript NM_000426.4 (MANE Select); coding-DNA position 4913, G replaced by AATAAAGAGAGACAGCA.
Protein change: p.Gly1638delinsGluTer.
Molecular consequence: nonsense.
Genome position (GRCh38, 1-based): chr6:129,369,944, G replaced by AATAAAGAGAGACAGCA. VCF-style: chr6-129369944-G-AATAAAGAGAGACAGCA. GRCh37 (hg19) VCF-style: chr6-129691089-G-AATAAAGAGAGACAGCA.
Other names: c.4913delinsAATAAAGAGAGACAGCA, p.Gly1638delinsGluTer (NM_001079823.2).
Identifiers: ClinVar variation 1725387 (VCV001725387.3), dbSNP rs2482640047, ClinGen allele CA2580074961.
Genomic context (GRCh38, chr6:129,369,944, plus strand): 5'-TTTTTCAGCACTTGCTGTCACCTCAGCGGGCCCCAGAGAGGCTTATTCAGCTGGCAGAGG[G>AATAAAGAGAGACAGCA]CAATCTGAATACACTCGTGACCGAAATGAACGAGCTGCTGACCAGGGTAAGGTGGCAAAA-3'

ClinVar aggregate classification (germline): Likely pathogenic (1 of 4 stars; one submission).

Conditions:
LAMA2-related muscular dystrophy (LAMA2-RD). Also called: Laminin alpha 2-related dystrophy. Identifiers: MedGen C5679788, MONDO:0100228.

Submission:

Myriad Genetics, Inc.
Classification: Likely pathogenic for LAMA2-related muscular dystrophy. Last evaluated: 2022-03-17. Review status: criteria provided, single submitter. Criteria: Myriad Autosomal Dominant, Autosomal Recessive and X-Linked Classification Criteria (2023). Collection method: clinical testing. Allele origin: unknown.
Comment: NM_000426.3(LAMA2):c.4913del1ins17(G1638Efs*2) is expected to be pathogenic in the context of muscular dystrophy, LAMA2-related. This variant is predicted to lead to an abnormal or absent protein product due to the creation of a premature termination codon in LAMA2, a gene where loss-of-function variants are known to be pathogenic. Please note: this variant was assessed in the context of healthy population screening.